The following is an entry in ClinVar:

NM_000051.4(ATM):c.3257G>A (p.Arg1086His)

Gene: ATM (ATM serine/threonine kinase; plus strand). Cytogenetic location: 11q22.3.
Variant type: single nucleotide variant.
Coding change: c.3257G>A on transcript NM_000051.4 (MANE Select); coding-DNA position 3257, G replaced by A.
Protein change: p.Arg1086His; replaces arginine 1086 with histidine.
Molecular consequence: missense variant.
Genome position (GRCh38, 1-based): chr11:108,272,825, G>A. VCF-style: chr11-108272825-G-A. GRCh37 (hg19) VCF-style: chr11-108143552-G-A.
Other names: c.3257G>A, p.Arg1086His (NM_001351834.2); short protein forms R1086H.
Identifiers: ClinVar variation 234265 (VCV000234265.35), dbSNP rs769857066, ClinGen allele CA6265234.

ClinVar aggregate classification (germline): Conflicting classifications of pathogenicity. Review status: criteria provided, conflicting classifications (1 of 4 stars). 11 submissions from 11 submitters: Uncertain significance (9); Likely benign (1). 1 of the submissions does not count toward it. Last evaluated 2025-12-22.

Conditions:
Breast-ovarian cancer, familial, susceptibility to, 1 (BROVCA1). Also called: BRCA1 Hereditary Breast and Ovarian Cancer; OVARIAN CANCER, SUSCEPTIBILITY TO. Identifiers: Orphanet 145, MedGen C2676676, MONDO:0011450, OMIM 604370. Disease mechanism: loss of function.
Familial cancer of breast. Also called: BREAST CANCER, FAMILIAL; hereditary breast carcinoma; Hereditary breast cancer. Identifiers: Orphanet 227535, MedGen C0346153, MONDO:0016419, OMIM 114480. Disease mechanism: loss of function.
Ataxia-telangiectasia syndrome (AT). Also called: Ataxia-telangiectasia, complementation group E; Ataxia-telangiectasia, complementation group D; AT, COMPLEMENTATION GROUP C; ATAXIA-TELANGIECTASIA, FRESNO VARIANT; ATAXIA-TELANGIECTASIA, COMPLEMENTATION GROUP A; Ataxia-telangiectasia. Identifiers: Orphanet 100, MedGen C0004135, MONDO:0008840, OMIM 208900.
Hereditary cancer-predisposing syndrome. Also called: Tumor predisposition; Hereditary Cancer Syndrome; Neoplastic Syndromes, Hereditary; Hereditary neoplastic syndrome. Identifiers: Orphanet 140162, MedGen C0027672, MeSH D009386, MONDO:0015356.

Allele frequency attached by ClinVar (database versions not stated): gnomAD below 0.00001 and 0.00001; TOPMed 0.00003.
gnomAD v4.1: 24 of 1,613,874 alleles (0.0015%); highest among the groups gnomAD compares: Middle Eastern, 0.049%; no homozygotes.

Submissions (11):

Ambry Genetics
Classification: Uncertain significance for Hereditary cancer-predisposing syndrome. Last evaluated: 2025-12-22. Review status: criteria provided, single submitter. Criteria: Ambry Variant Classification Scheme 2023. Collection method: clinical testing. Allele origin: germline.
Comment: The p.R1086H variant (also known as c.3257G>A), located in coding exon 21 of the ATM gene, results from a G to A substitution at nucleotide position 3257. The arginine at codon 1086 is replaced by histidine, an amino acid with highly similar properties. This amino acid position is not well conserved in available vertebrate species. In addition, the in silico prediction for this alteration is inconclusive. Based on the available evidence, the clinical significance of this variant remains unclear.

Quest Diagnostics Nichols Institute San Juan Capistrano
Classification: Uncertain significance. Last evaluated: 2025-02-25. Review status: criteria provided, single submitter. Criteria: Quest Diagnostics criteria. Collection method: clinical testing. Allele origin: unknown.

Labcorp Genetics (formerly Invitae), Labcorp
Classification: Uncertain significance for Ataxia-telangiectasia syndrome. Last evaluated: 2025-01-26. Review status: criteria provided, single submitter. Criteria: Invitae Variant Classification Sherloc (09022015). Collection method: clinical testing. Allele origin: germline.
Comment: This sequence change replaces arginine, which is basic and polar, with histidine, which is basic and polar, at codon 1086 of the ATM protein (p.Arg1086His). This variant is present in population databases (rs769857066, gnomAD 0.01%). This missense change has been observed in individual(s) with head and neck squamous cell carcinoma (PMID: 26689913). ClinVar contains an entry for this variant (Variation ID: 234265). Invitae Evidence Modeling of protein sequence and biophysical properties (such as structural, functional, and spatial information, amino acid conservation, physicochemical variation, residue mobility, and thermodynamic stability) indicates that this missense variant is not expected to disrupt ATM protein function with a negative predictive value of 95%. In summary, the available evidence is currently insufficient to determine the role of this variant in disease. Therefore, it has been classified as a Variant of Uncertain Significance.

Myriad Genetics, Inc.
Classification: Likely benign for Familial cancer of breast. Last evaluated: 2024-05-14. Review status: criteria provided, single submitter. Criteria: Myriad Autosomal Dominant, Autosomal Recessive and X-Linked Classification Criteria (2023). Collection method: clinical testing. Allele origin: unknown.
Comment: This variant is considered likely benign. This variant is strongly associated with less severe personal and family histories of cancer, typical for individuals without pathogenic variants in this gene [PMID: 25085752].

Color Diagnostics, LLC DBA Color Health
Classification: Uncertain significance for Hereditary cancer-predisposing syndrome. Last evaluated: 2024-04-15. Review status: criteria provided, single submitter. Criteria: ACMG Guidelines, 2015. Collection method: clinical testing. Allele origin: germline.
Comment: This missense variant replaces arginine with histidine at codon 1086 of the ATM protein. Computational prediction suggests that this variant may not impact protein structure and function. To our knowledge, functional studies have not been reported for this variant. This variant has been reported in individuals affected with breast cancer, head and neck squamous cell carcinoma, and chronic lymphocytic leukemia (PMID: 26053404, 26689913, 33471991, 33980423; DOI: 10.5505/tjo.2022.3529) as well as unaffected individuals from breast cancer, pancreatic cancer, and prostate cancer case-control studies (PMID: 30287823, 31214711, 32980694). This variant has been identified in 6/251176 chromosomes in the general population by the Genome Aggregation Database (gnomAD). The available evidence is insufficient to determine the role of this variant in disease conclusively. Therefore, this variant is classified as a Variant of Uncertain Significance.

GeneDx
Classification: Uncertain significance. Last evaluated: 2024-04-05. Review status: criteria provided, single submitter. Criteria: GeneDx Variant Classification Process June 2021. Collection method: clinical testing. Allele origin: germline. Affected: yes.
Comment: Identified in individuals with chronic lymphocytic leukemia, breast and other cancers, as well as in unaffected control groups (PMID: 26689913, 28652578, 33471991, 30287823, 32980694); Not observed at significant frequency in large population cohorts (gnomAD); In silico analysis supports that this missense variant has a deleterious effect on protein structure/function; This variant is associated with the following publications: (PMID: 26053404, 28652578, 26689913, 30287823, 32980694, 19781682, 33980423, 33471991, 36243179)

Baylor Genetics
Classification: Uncertain significance for Familial cancer of breast. Last evaluated: 2024-03-21. Review status: criteria provided, single submitter. Criteria: ACMG Guidelines, 2015. Collection method: clinical testing. Allele origin: unknown.

Sema4
Classification: Uncertain significance for Hereditary cancer-predisposing syndrome. Last evaluated: 2021-11-10. Review status: criteria provided, single submitter. Criteria: Sema4 Curation Guidelines. Collection method: curation. Allele origin: germline.
Comment: The ATM c.3257G>A (p.R1086H) variant has been reported in individuals with breast cancer and head and neck squamous cell carcinoma (PMID: 33980423, 26689913, 33471991) as well as in controls (PMID: 31214711, 30287823, 32980694). It was observed in 3/30614 chromosomes of the South Asian subpopulation in the large and broad cohorts of the Genome Aggregation Database (PMID: 32461654). The variant has been reported in ClinVar (Variation ID 234265). Functional studies have not been performed, and in silico predictions of the variant's effect on protein function are inconclusive. The evidence is insufficient to meet ACMG/AMP criteria for classifying the variant as benign or pathogenic. Thus, the clinical significance of this variant is currently uncertain.

Fulgent Genetics
Classification: Uncertain significance for Familial cancer of breast; Ataxia-telangiectasia syndrome. Last evaluated: 2021-07-23. Review status: criteria provided, single submitter. Criteria: ACMG Guidelines, 2015. Collection method: clinical testing. Allele origin: unknown.

Neuberg Centre For Genomic Medicine, NCGM
Classification: Uncertain significance for Breast-ovarian cancer, familial, susceptibility to, 1. Review status: criteria provided, single submitter. Criteria: ACMG Guidelines, 2015. Collection method: clinical testing. Allele origin: germline. Inheritance: Autosomal dominant inheritance. Affected: yes.
Comment: The missense variant in c.3257G>A (p.Arg1086His) in ATM gene has not been reported previously as a pathogenic variant nor as a benign variant, to our knowledge. This variant has been reported to the ClinVar database as Uncertain Significance . The p.Arg1086His variant is novel (not in any individuals) in 1000 Genomes and allele frequency of 0.002389% is reported in gnomAD. The amino acid Arg at position 1086 is changed to a His changing protein sequence and it might alter its composition and physico-chemical properties. The residue is conserved across species. The amino acid change p.Arg1086His in ATM is predicted as conserved by GERP++ and PhyloP across 100 vertebrates. The variant is predicted to be damaging by both SIFT and PolyPhen2. For these reasons, this variant has been classified as Uncertain Significance .

Natera, Inc.
Classification: Uncertain significance for Ataxia-telangiectasia. Last evaluated: 2020-07-27. Review status: no assertion criteria provided. Collection method: clinical testing. Allele origin: germline. Not counted in ClinVar's aggregate classification.

Literature cited by the submitters: PubMed 28652578 (cited by Ambry Genetics); PubMed 30287823 (cited by 3 submitters); PubMed 31214711 (cited by 3 submitters); PubMed 32832836 (cited by Ambry Genetics); PubMed 32980694 (cited by 3 submitters); PubMed 33471991 (cited by 3 submitters); PubMed 33980423 (cited by 3 submitters); PubMed 26689913 (cited by 3 submitters); PubMed 25085752 (cited by Myriad Genetics, Inc.); PubMed 26053404 (cited by Color Diagnostics, LLC DBA Color Health).